The following is an entry in ClinVar:

ClinVar aggregate classification (germline): Uncertain significance (1 of 4 stars; one submission).

Allele frequency attached by ClinVar (database versions not stated): ExAC 0.00001; gnomAD 0.00001.
gnomAD v4.1: 5 of 1,614,042 alleles (0.00031%); highest among the groups gnomAD compares: Admixed American, 0.0017%; no homozygotes.

Submission:

Labcorp Genetics (formerly Invitae), Labcorp
Classification: Uncertain significance. Last evaluated: 2021-08-26. Review status: criteria provided, single submitter. Criteria: Invitae Variant Classification Sherloc (09022015). Collection method: clinical testing. Allele origin: germline.
Comment: This sequence change replaces aspartic acid with glutamic acid at codon 3450 of the KMT2A protein (p.Asp3450Glu). The aspartic acid residue is weakly conserved and there is a small physicochemical difference between aspartic acid and glutamic acid. This variant is present in population databases (rs781903452, ExAC 0.001%). This variant has not been reported in the literature in individuals affected with KMT2A-related conditions. Advanced modeling of protein sequence and biophysical properties (such as structural, functional, and spatial information, amino acid conservation, physicochemical variation, residue mobility, and thermodynamic stability) performed at Invitae indicates that this missense variant is not expected to disrupt KMT2A protein function. In summary, the available evidence is currently insufficient to determine the role of this variant in disease. Therefore, it has been classified as a Variant of Uncertain Significance.

NM_001197104.2(KMT2A):c.10350C>G (p.Asp3450Glu)

Gene: KMT2A (lysine methyltransferase 2A; plus strand). Cytogenetic location: 11q23.3.
Variant type: single nucleotide variant.
Coding change: c.10350C>G on transcript NM_001197104.2 (MANE Select); coding-DNA position 10350, C replaced by G.
Protein change: p.Asp3450Glu; replaces aspartic acid 3450 with glutamic acid.
Molecular consequence: missense variant.
Genome position (GRCh38, 1-based): chr11:118,506,242, C>G. VCF-style: chr11-118506242-C-G. GRCh37 (hg19) VCF-style: chr11-118376957-C-G.
Other names: c.10341C>G, p.Asp3447Glu (NM_005933.4); short protein forms D3450E, D3447E.
Identifiers: ClinVar variation 1363429 (VCV001363429.6), dbSNP rs781903452, ClinGen allele CA6304730.